The following is an entry in ClinVar:

NM_153240.5(NPHP3):c.3373C>T (p.Arg1125Ter)

Genes: NPHP3 (nephrocystin 3; minus strand), NPHP3-ACAD11 (NPHP3-ACAD11 readthrough (NMD candidate); minus strand). Cytogenetic location: 3q22.1.
Variant type: single nucleotide variant.
Coding change: c.3373C>T on transcript NM_153240.5 (MANE Select); coding-DNA position 3373, C replaced by T.
Protein change: p.Arg1125Ter; replaces arginine 1125 with a stop codon.
Molecular consequence: nonsense. On other transcripts: non-coding transcript variant (1).
Genome position (GRCh38, 1-based): chr3:132,684,751, G>A on the plus strand (C>T on the coding strand, the complement: NPHP3 is on the minus strand). VCF-style: chr3-132684751-G-A. GRCh37 (hg19) VCF-style: chr3-132403595-G-A.
Other names: short protein forms R1125*.
Identifiers: ClinVar variation 96516 (VCV000096516.16), dbSNP rs368138001, ClinGen allele CA201960.

ClinVar aggregate classification (germline): Pathogenic. Review status: criteria provided, multiple submitters, no conflicts (2 of 4 stars). 5 submissions from 5 submitters: Pathogenic (5). Last evaluated 2025-11-05.

Conditions:
Nephronophthisis. Also called: Juvenile Nephronophthisis. Identifiers: Orphanet 655, MedGen C0687120, MONDO:0019005, HP:0000090.
Renal-hepatic-pancreatic dysplasia 1 (RHPD1). Identifiers: MedGen C3715199, MONDO:0008833, OMIM 208540.
Nephronophthisis 3 (NPHP3). Also called: Adolescent nephronophthisis. Identifiers: Orphanet 655, MedGen C1858392, MONDO:0011456, OMIM 604387.
NPHP3-related Meckel-like syndrome. Also called: GOLDSTON SYNDROME; Meckel syndrome type 7. Identifiers: Orphanet 3032, MedGen C2673885, MONDO:0009966, OMIM 267010.

Allele frequency attached by ClinVar (database versions not stated): TOPMed 0.00001; ExAC 0.00001; ESP Exome Variant Server 0.00008; gnomAD 0.00001; gnomAD exomes 0.00001.
gnomAD v4.1: 12 of 1,613,600 alleles (0.00074%); highest among the groups gnomAD compares: Admixed American, 0.0033%; no homozygotes.

Submissions (5):

Dasa
Classification: Pathogenic. Last evaluated: 2025-11-05. Review status: criteria provided, single submitter. Criteria: DASA Assertion Criteria. Collection method: clinical testing. Allele origin: germline.
Comment: NM_153240.5(NPHP3):c.3373C>T (p.Arg1125*) introduces a premature termination codon predicted to result in loss of normal protein function. Loss-of-function is an established mechanism of disease for this gene. This variant has been observed in affected individuals with related phenotype in a genotype context consistent with recessive disease (PMID: 23188109). This variant has been reported in individuals with related phenotype (PMID: 23188109). The variant is present at low frequency in population datasets. Based on the available data, this variant is classified as pathogenic.

Immunogenetics and Transplant Biology Service, University Hospital "Città della Salute e della Scienza di Torino"
Classification: Pathogenic for Renal-hepatic-pancreatic dysplasia 1; Nephronophthisis 3; NPHP3-related Meckel-like syndrome. Last evaluated: 2025-06-28. Review status: criteria provided, single submitter. Criteria: ACMG Guidelines, 2015. Collection method: clinical testing. Allele origin: germline. Affected: yes.

Labcorp Genetics (formerly Invitae), Labcorp
Classification: Pathogenic for Nephronophthisis. Last evaluated: 2022-06-20. Review status: criteria provided, single submitter. Criteria: Invitae Variant Classification Sherloc (09022015). Collection method: clinical testing. Allele origin: germline.
Comment: This variant is present in population databases (rs368138001, gnomAD 0.004%). For these reasons, this variant has been classified as Pathogenic. Algorithms developed to predict the effect of sequence changes on RNA splicing suggest that this variant may create or strengthen a splice site. ClinVar contains an entry for this variant (Variation ID: 96516). This premature translational stop signal has been observed in individual(s) with nephronopthisis (PMID: 23188109). This sequence change creates a premature translational stop signal (p.Arg1125*) in the NPHP3 gene. It is expected to result in an absent or disrupted protein product. Loss-of-function variants in NPHP3 are known to be pathogenic (PMID: 18371931, 23559409).

Fulgent Genetics
Classification: Pathogenic for Renal-hepatic-pancreatic dysplasia 1; NPHP3-related Meckel-like syndrome; Nephronophthisis 3. Last evaluated: 2022-02-25. Review status: criteria provided, single submitter. Criteria: ACMG Guidelines, 2015. Collection method: clinical testing. Allele origin: unknown.

Eurofins Ntd Llc (ga)
Classification: Pathogenic. Last evaluated: 2013-10-21. Review status: criteria provided, single submitter. Criteria: EGL Classification Definitions. Collection method: clinical testing. Allele origin: germline. Observed: 1 variant allele, 1 heterozygote.

Literature cited by the submitters: PubMed 23188109 (cited by Dasa and Labcorp Genetics (formerly Invitae), Labcorp); PubMed 18371931 (cited by Labcorp Genetics (formerly Invitae), Labcorp); PubMed 23559409 (cited by Labcorp Genetics (formerly Invitae), Labcorp).